The following is an entry in ClinVar:

ClinVar aggregate classification (germline): Likely benign (1 of 4 stars; one submission).

Submission:

GeneDx
Classification: Likely benign. Last evaluated: 2019-10-02. Review status: criteria provided, single submitter. Criteria: GeneDx Variant Classification Process June 2021. Collection method: clinical testing. Allele origin: germline. Affected: yes.
Comment: See Variant Classification Assertion Criteria.

NC_000006.12:g.43516988_43516990dup

Genes: POLR1C (RNA polymerase I and III subunit C; plus strand), LOC129996517 (ATAC-STARR-seq lymphoblastoid active region 24602; plus strand). Cytogenetic location: 6p21.1.
Variant type: Duplication.
Genome position: GRCh38 VCF-style: chr6-43516985-C-CGGG. GRCh37 (hg19) VCF-style: chr6-43484723-C-CGGG.
Identifiers: ClinVar variation 2580819 (VCV002580819.1), dbSNP rs201485043, ClinGen allele CA364279417.